The following is an entry in ClinVar:

ClinVar aggregate classification (germline): Uncertain significance (1 of 4 stars; one submission).

Conditions:
Rubinstein-Taybi syndrome (RSTS). Identifiers: Orphanet 783, MedGen C0035934, MONDO:0019188.

Submission:

Labcorp Genetics (formerly Invitae), Labcorp
Classification: Uncertain significance for Rubinstein-Taybi syndrome. Last evaluated: 2023-11-12. Review status: criteria provided, single submitter. Criteria: Invitae Variant Classification Sherloc (09022015). Collection method: clinical testing. Allele origin: germline.
Comment: This sequence change replaces threonine, which is neutral and polar, with proline, which is neutral and non-polar, at codon 1931 of the CREBBP protein (p.Thr1931Pro). This variant is not present in population databases (gnomAD no frequency). This variant has not been reported in the literature in individuals affected with CREBBP-related conditions. Advanced modeling of protein sequence and biophysical properties (such as structural, functional, and spatial information, amino acid conservation, physicochemical variation, residue mobility, and thermodynamic stability) performed at Invitae indicates that this missense variant is not expected to disrupt CREBBP protein function with a negative predictive value of 95%. In summary, the available evidence is currently insufficient to determine the role of this variant in disease. Therefore, it has been classified as a Variant of Uncertain Significance.

NM_004380.3(CREBBP):c.5791A>C (p.Thr1931Pro)

Gene: CREBBP (CREB binding lysine acetyltransferase; minus strand). Cytogenetic location: 16p13.3.
Variant type: single nucleotide variant.
Coding change: c.5791A>C on transcript NM_004380.3 (MANE Select); coding-DNA position 5791, A replaced by C.
Protein change: p.Thr1931Pro; replaces threonine 1931 with proline.
Molecular consequence: missense variant.
Genome position (GRCh38, 1-based): chr16:3,729,256, T>G on the plus strand (A>C on the coding strand, the complement: CREBBP is on the minus strand). VCF-style: chr16-3729256-T-G. GRCh37 (hg19) VCF-style: chr16-3779257-T-G.
Other names: c.5677A>C, p.Thr1893Pro (NM_001079846.1); short protein forms T1893P, T1931P.
Identifiers: ClinVar variation 2761021 (VCV002761021.3), dbSNP rs1596786496, ClinGen allele CA394555489.
Genomic context (GRCh38, chr16:3,729,256, plus strand): 5'-GCTGGGCCGGGGGTGGGGGGGCCGGCACCTGGCTGGTAGGCTTCCCTGTGGACACCGTGG[T>G]GGGGGGCTGAGTCCGGGCCACGCTGGGGAAGCCAGCTGGTGACATGCTCACGGGTGAGGG-3'
Protein context (NP_004371.2, residues 1921-1941): FPSVARTQPP[Thr1931Pro]TVSTGKPTSQ